The following is an entry in ClinVar:

ClinVar aggregate classification (germline): Uncertain significance (1 of 4 stars; one submission).

gnomAD v4.1: 3 of 1,614,140 alleles (0.00019%); highest among the groups gnomAD compares: African/African-American, 0.004%; no homozygotes.

Submission:

Labcorp Genetics (formerly Invitae), Labcorp
Classification: Uncertain significance. Last evaluated: 2024-12-22. Review status: criteria provided, single submitter. Criteria: Invitae Variant Classification Sherloc (09022015). Collection method: clinical testing. Allele origin: germline.
Comment: This sequence change replaces threonine, which is neutral and polar, with serine, which is neutral and polar, at codon 250 of the HYOU1 protein (p.Thr250Ser). This variant is present in population databases (no rsID available, gnomAD 0.01%). This variant has not been reported in the literature in individuals affected with HYOU1-related conditions. An algorithm developed to predict the effect of missense changes on protein structure and function (PolyPhen-2) suggests that this variant is likely to be tolerated. In summary, the available evidence is currently insufficient to determine the role of this variant in disease. Therefore, it has been classified as a Variant of Uncertain Significance.

NM_006389.5(HYOU1):c.748A>T (p.Thr250Ser)

Gene: HYOU1 (hypoxia up-regulated 1; minus strand). Cytogenetic location: 11q23.3.
Variant type: single nucleotide variant.
Coding change: c.748A>T on transcript NM_006389.5 (MANE Select); coding-DNA position 748, A replaced by T.
Protein change: p.Thr250Ser; replaces threonine 250 with serine.
Molecular consequence: missense variant.
Genome position (GRCh38, 1-based): chr11:119,054,167, T>A on the plus strand (A>T on the coding strand, the complement: HYOU1 is on the minus strand). VCF-style: chr11-119054167-T-A. GRCh37 (hg19) VCF-style: chr11-118924879-T-A.
Other names: c.748A>T, p.Thr250Ser (NM_001130991.3, NM_001411041.1); short protein forms T250S.
Identifiers: ClinVar variation 3727776 (VCV003727776.2).